The following is an entry in ClinVar:

NM_032588.4(TRIM63):c.135G>C (p.Arg45=)

Gene: TRIM63 (tripartite motif containing 63; minus strand). Cytogenetic location: 1p36.11.
Variant type: single nucleotide variant.
Coding change: c.135G>C on transcript NM_032588.4 (MANE Select); coding-DNA position 135, G replaced by C.
Protein change: p.Arg45=; no amino-acid change (arginine 45 retained).
Molecular consequence: synonymous variant.
Genome position (GRCh38, 1-based): chr1:26,067,360, C>G on the plus strand (G>C on the coding strand, the complement: TRIM63 is on the minus strand). VCF-style: chr1-26067360-C-G. GRCh37 (hg19) VCF-style: chr1-26393851-C-G.
Other names: p.Arg45=.
Identifiers: ClinVar variation 707119 (VCV000707119.45), dbSNP rs61760891, ClinGen allele CA699783.

ClinVar aggregate classification (germline): Benign/Likely benign. Review status: criteria provided, multiple submitters, no conflicts (2 of 4 stars). 9 submissions from 9 submitters: Benign (3); Likely benign (3). 3 of the submissions do not count toward it. Last evaluated 2026-09-01.

Conditions:
TRIM63-related disorder. Also called: TRIM63-related condition.

Allele frequency attached by ClinVar (database versions not stated): 1000 Genomes Project 30x 0.00265; 1000 Genomes Project 0.00280; TOPMed 0.00468; ESP Exome Variant Server 0.00531; ExAC 0.00668; gnomAD 0.00733.

Submissions (9):

CeGaT Center for Human Genetics Tuebingen
Classification: Likely benign. Last evaluated: 2026-09-01. Review status: criteria provided, single submitter. Criteria: CeGaT Center For Human Genetics Tuebingen Variant Classification Criteria Version 2. Collection method: clinical testing. Allele origin: germline. Affected: yes. Observed: 16 variant alleles.
Comment: TRIM63: BP4, BP7, BS2

Molecular Diagnostic Laboratory for Inherited Cardiovascular Disease, Montreal Heart Institute
Classification: Likely benign. Last evaluated: 2025-04-09. Review status: criteria provided, single submitter. Criteria: ACMG Guidelines, 2015. Collection method: clinical testing. Allele origin: germline. Affected: no.

Mayo Clinic Laboratories, Mayo Clinic
Classification: Benign. Last evaluated: 2024-08-07. Review status: criteria provided, single submitter. Criteria: ACMG Guidelines, 2015. Collection method: clinical testing. Allele origin: germline. Observed: 17 variant alleles.
Comment: BS1, BS2, BP4, BP7

Women's Health and Genetics/Laboratory Corporation of America, LabCorp
Classification: Benign. Last evaluated: 2023-07-29. Review status: criteria provided, single submitter. Criteria: LabCorp Variant Classification Summary - May 2015. Collection method: clinical testing. Allele origin: germline.

Labcorp Genetics (formerly Invitae), Labcorp
Classification: Benign. Last evaluated: 2019-12-31. Review status: criteria provided, single submitter. Criteria: Invitae Variant Classification Sherloc (09022015). Collection method: clinical testing. Allele origin: germline.

Breakthrough Genomics
Classification: Likely benign. Review status: criteria provided, single submitter. Criteria: ACMG Guidelines, 2015. Collection method: not provided. Allele origin: germline. Inheritance: Unknown mechanism. Affected: yes.

PreventionGenetics, part of Exact Sciences
Classification: Likely benign for TRIM63-related condition. Last evaluated: 2024-03-27. Review status: no assertion criteria provided. Collection method: clinical testing. Allele origin: germline. Not counted in ClinVar's aggregate classification.
Comment: This variant is classified as likely benign based on ACMG/AMP sequence variant interpretation guidelines (Richards et al. 2015 PMID: 25741868, with internal and published modifications).

Genome Diagnostics Laboratory, University Medical Center Utrecht
Classification: Benign. Review status: no assertion criteria provided. Collection method: clinical testing. Allele origin: germline. Affected: yes. Study: VKGL Data-share Consensus. Not counted in ClinVar's aggregate classification.

Joint Genome Diagnostic Labs from Nijmegen and Maastricht, Radboudumc and MUMC+
Classification: Likely benign. Review status: no assertion criteria provided. Collection method: clinical testing. Allele origin: germline. Affected: yes. Study: VKGL Data-share Consensus. Not counted in ClinVar's aggregate classification.